The following is an entry in ClinVar:

NM_198551.4(MIA3):c.5714dup (p.Ser1906fs)

Gene: MIA3 (MIA SH3 domain ER export factor 3; plus strand). Cytogenetic location: 1q41.
Variant type: Duplication.
Coding change: c.5714dup on transcript NM_198551.4 (MANE Select); coding-DNA position 5714, one base duplicated (A; older notation c.5714dupA).
Protein change: p.Ser1906fs; shifts the reading frame from serine 1906.
Molecular consequence: frameshift variant.
Genome position (GRCh38, 1-based): chr1:222,665,609, A duplicated. VCF-style (leftmost placement, unchanged base first): chr1-222665608-C-CA. GRCh37 (hg19) VCF-style: chr1-222838950-C-CA.
Other names: c.2348dup, p.Ser784fs (NM_001300867.2); c.5786dup, p.Ser1930fs (NM_001324062.2); c.5537dup, p.Ser1847fs (NM_001324063.2); c.5222dup, p.Ser1742fs (NM_001324064.2); c.2420dup, p.Ser808fs (NM_001324065.2); short protein forms S1742fs, S1906fs, S1930fs, S808fs, S1847fs, S784fs.
Identifiers: ClinVar variation 5006147 (VCV005006147.2).

ClinVar aggregate classification (germline): Uncertain significance (1 of 4 stars; one submission).

Conditions:
Odontochondrodysplasia 2 with hearing loss and diabetes. Also called: Ondontochondrodysplasia 2 with hearing loss and diabetes. Identifiers: MedGen C5543275, MONDO:0031010, OMIM 619269.

Submission:

Juno Genomics, Hangzhou Juno Genomics, Inc
Classification: Uncertain significance for Odontochondrodysplasia 2 with hearing loss and diabetes. Review status: criteria provided, single submitter. Criteria: ACMG Guidelines, 2015. Collection method: clinical testing. Allele origin: germline.
Comment: Absent from controls (or at extremely low frequency if recessive) in Genome Aggregation Database.